The following is an entry in ClinVar:

ClinVar aggregate classification (germline): Uncertain significance (1 of 4 stars; one submission).

Submission:

Labcorp Genetics (formerly Invitae), Labcorp
Classification: Uncertain significance. Last evaluated: 2022-09-24. Review status: criteria provided, single submitter. Criteria: Invitae Variant Classification Sherloc (09022015). Collection method: clinical testing. Allele origin: germline.
Comment: This sequence change replaces lysine, which is basic and polar, with asparagine, which is neutral and polar, at codon 548 of the CACNA2D4 protein (p.Lys548Asn). This variant also falls at the last nucleotide of exon 15, which is part of the consensus splice site for this exon. This variant is not present in population databases (gnomAD no frequency). This variant has not been reported in the literature in individuals affected with CACNA2D4-related conditions. Algorithms developed to predict the effect of missense changes on protein structure and function are either unavailable or do not agree on the potential impact of this missense change (SIFT: "Deleterious"; PolyPhen-2: "Benign"; Align-GVGD: "Class C0"). Variants that disrupt the consensus splice site are a relatively common cause of aberrant splicing (PMID: 17576681, 9536098). Algorithms developed to predict the effect of sequence changes on RNA splicing suggest that this variant may disrupt the consensus splice site. In summary, the available evidence is currently insufficient to determine the role of this variant in disease. Therefore, it has been classified as a Variant of Uncertain Significance.

Literature cited by the submitters: PubMed 17576681; PubMed 9536098.

NM_172364.5(CACNA2D4):c.1644G>T (p.Lys548Asn)

Gene: CACNA2D4 (calcium voltage-gated channel auxiliary subunit alpha2delta 4; minus strand). Cytogenetic location: 12p13.33.
Variant type: single nucleotide variant.
Coding change: c.1644G>T on transcript NM_172364.5 (MANE Select); coding-DNA position 1644, G replaced by T.
Protein change: p.Lys548Asn; replaces lysine 548 with asparagine.
Molecular consequence: missense variant.
Genome position (GRCh38, 1-based): chr12:1,878,956, C>A on the plus strand (G>T on the coding strand, the complement: CACNA2D4 is on the minus strand). VCF-style: chr12-1878956-C-A. GRCh37 (hg19) VCF-style: chr12-1988122-C-A.
Other names: short protein forms K548N.
Identifiers: ClinVar variation 2028995 (VCV002028995.4), dbSNP rs1162624233, ClinGen allele CA383353971.
Genomic context (GRCh38, chr12:1,878,956, plus strand): 5'-GGGGAGGGAGTTTGCTCCTGGGGAACCTGTGATCCCCACAGGGAACAGACCCAGGCTCAC[C>A]TTGTACCGGGGCGCCAGCTTCATCAGCTCTCTCAGGGCCACATCTGAGCCCACCACACCC-3'
Protein context (NP_758952.4, residues 538-558): RELMKLAPRY[Lys548Asn]LGVHGYAFLN